The following is an entry in ClinVar:

NM_000093.5(COL5A1):c.1922A>G (p.Glu641Gly)

Gene: COL5A1 (collagen type V alpha 1 chain; plus strand). Cytogenetic location: 9q34.3.
Variant type: single nucleotide variant.
Coding change: c.1922A>G on transcript NM_000093.5 (MANE Select); coding-DNA position 1922, A replaced by G.
Protein change: p.Glu641Gly; replaces glutamic acid 641 with glycine.
Molecular consequence: missense variant.
Genome position (GRCh38, 1-based): chr9:134,758,283, A>G. VCF-style: chr9-134758283-A-G. GRCh37 (hg19) VCF-style: chr9-137650129-A-G.
Other names: c.1922A>G, p.Glu641Gly (NM_001278074.1); short protein forms E641G.
Identifiers: ClinVar variation 4708423 (VCV004708423.1).

ClinVar aggregate classification (germline): Uncertain significance (1 of 4 stars; one submission).

Conditions:
Ehlers-Danlos syndrome, classic type, 1 (EDSCL1). Also called: EHLERS-DANLOS SYNDROME, GRAVIS TYPE; EHLERS-DANLOS SYNDROME, SEVERE CLASSIC TYPE; Ehlers-Danlos syndrome, type 1; Ehlers-Danlos Syndrome, Classic Type, COL5A1-Related; EDS I. Identifiers: MedGen C0268335, MONDO:0019567, OMIM 130000.

Submission:

Labcorp Genetics (formerly Invitae), Labcorp
Classification: Uncertain significance for Ehlers-Danlos syndrome, classic type, 1. Last evaluated: 2025-12-23. Review status: criteria provided, single submitter. Criteria: Invitae Variant Classification Sherloc (09022015). Collection method: clinical testing. Allele origin: germline.
Comment: This sequence change replaces glutamic acid, which is acidic and polar, with glycine, which is neutral and non-polar, at codon 641 of the COL5A1 protein (p.Glu641Gly). This variant is not present in population databases (gnomAD no frequency). This variant has not been reported in the literature in individuals affected with COL5A1-related conditions. Invitae Evidence Modeling of protein sequence and biophysical properties (such as structural, functional, and spatial information, amino acid conservation, physicochemical variation, residue mobility, and thermodynamic stability) indicates that this missense variant is not expected to disrupt COL5A1 protein function with a negative predictive value of 95%. In summary, the available evidence is currently insufficient to determine the role of this variant in disease. Therefore, it has been classified as a Variant of Uncertain Significance.